The following is an entry in ClinVar:

NM_001458.5(FLNC):c.5911G>A (p.Glu1971Lys)

Genes: FLNC-AS1 (FLNC antisense RNA 1; minus strand), FLNC (filamin C; plus strand). Cytogenetic location: 7q32.1.
Variant type: single nucleotide variant.
Coding change: c.5911G>A on transcript NM_001458.5 (MANE Select); coding-DNA position 5911, G replaced by A.
Protein change: p.Glu1971Lys; replaces glutamic acid 1971 with lysine.
Molecular consequence: missense variant.
Genome position (GRCh38, 1-based): chr7:128,852,659, G>A. VCF-style: chr7-128852659-G-A. GRCh37 (hg19) VCF-style: chr7-128492713-G-A.
Other names: c.5812G>A, p.Glu1938Lys (NM_001127487.2); short protein forms E1938K, E1971K.
Identifiers: ClinVar variation 2170137 (VCV002170137.6), dbSNP rs1306584705, ClinGen allele CA369209120.

ClinVar aggregate classification (germline): Uncertain significance. Review status: criteria provided, multiple submitters, no conflicts (2 of 4 stars). 2 submissions from 2 submitters: Uncertain significance (2). Last evaluated 2025-08-31.

Conditions:
Cardiovascular phenotype. Identifiers: MedGen CN230736.
Myofibrillar myopathy 5. Also called: FILAMINOPATHY, AUTOSOMAL DOMINANT; Filaminopathy (type). Identifiers: Orphanet 171445, MedGen C1836050, MONDO:0012289, OMIM 609524.
Hypertrophic cardiomyopathy 26. Also called: Cardiomyopathy, familial hypertrophic, 26. Identifiers: Orphanet 75249, MedGen C4310749, MONDO:0014883, OMIM 617047.
Distal myopathy with posterior leg and anterior hand involvement. Also called: WILLIAMS DISTAL MYOPATHY. Identifiers: Orphanet 63273, MedGen C3279722, MONDO:0013550, OMIM 614065.

Allele frequency attached by ClinVar (database versions not stated): gnomAD exomes below 0.00001.
gnomAD v4.1: 2 of 1,613,198 alleles (0.00012%); highest among the groups gnomAD compares: South Asian, 0.0011%; no homozygotes.

Submissions (2):

Ambry Genetics
Classification: Uncertain significance for Cardiovascular phenotype. Last evaluated: 2025-08-31. Review status: criteria provided, single submitter. Criteria: Ambry Variant Classification Scheme 2023. Collection method: clinical testing. Allele origin: germline.
Comment: The p.E1971K variant (also known as c.5911G>A), located in coding exon 36 of the FLNC gene, results from a G to A substitution at nucleotide position 5911. The glutamic acid at codon 1971 is replaced by lysine, an amino acid with similar properties. This amino acid position is conserved. In addition, the in silico prediction for this alteration is inconclusive. Based on the available evidence, the clinical significance of this variant remains unclear.

Labcorp Genetics (formerly Invitae), Labcorp
Classification: Uncertain significance for Distal myopathy with posterior leg and anterior hand involvement; Myofibrillar myopathy 5; Hypertrophic cardiomyopathy 26. Last evaluated: 2024-10-18. Review status: criteria provided, single submitter. Criteria: Invitae Variant Classification Sherloc (09022015). Collection method: clinical testing. Allele origin: germline.
Comment: This sequence change replaces glutamic acid, which is acidic and polar, with lysine, which is basic and polar, at codon 1971 of the FLNC protein (p.Glu1971Lys). This variant is not present in population databases (gnomAD no frequency). This variant has not been reported in the literature in individuals affected with FLNC-related conditions. ClinVar contains an entry for this variant (Variation ID: 2170137). Invitae Evidence Modeling of protein sequence and biophysical properties (such as structural, functional, and spatial information, amino acid conservation, physicochemical variation, residue mobility, and thermodynamic stability) has been performed for this missense variant. However, the output from this modeling did not meet the statistical confidence thresholds required to predict the impact of this variant on FLNC protein function. In summary, the available evidence is currently insufficient to determine the role of this variant in disease. Therefore, it has been classified as a Variant of Uncertain Significance.